The following is an entry in ClinVar:

NM_000393.5(COL5A2):c.1402G>A (p.Gly468Ser)

Gene: COL5A2 (collagen type V alpha 2 chain; minus strand). Cytogenetic location: 2q32.2.
Variant type: single nucleotide variant.
Coding change: c.1402G>A on transcript NM_000393.5 (MANE Select); coding-DNA position 1402, G replaced by A.
Protein change: p.Gly468Ser; replaces glycine 468 with serine.
Molecular consequence: missense variant.
Genome position (GRCh38, 1-based): chr2:189,066,782, C>T on the plus strand (G>A on the coding strand, the complement: COL5A2 is on the minus strand). VCF-style: chr2-189066782-C-T. GRCh37 (hg19) VCF-style: chr2-189931508-C-T.
Other names: short protein forms G468S.
Identifiers: ClinVar variation 4991012 (VCV004991012.1).

ClinVar aggregate classification (germline): Uncertain significance (1 of 4 stars; one submission).

Conditions:
COL5A2-related disorder. Also called: COL5A2-related condition.

Submission:

PreventionGenetics, part of Exact Sciences
Classification: Uncertain significance for COL5A2-related condition. Last evaluated: 2025-10-13. Review status: criteria provided, single submitter. Criteria: ACMG Guidelines, 2015. Collection method: clinical testing. Allele origin: germline.
Comment: The COL5A2 c.1402G>A variant is predicted to result in the amino acid substitution p.Gly468Ser. To our knowledge, this variant has not been reported in the literature or in a large population database (gnomAD), indicating this variant is rare. This variant impacts a glycine (Gly) residue within the highly conserved collagen triple helical domain. Missense variants in COL5A2 that are reported to be causative for Ehlers-Danlos syndrome substitute a glycine residue to bulkier amino acid in this region (for examples, see Malfait et al. 2005. PubMed ID: 15580559; Symoens et al. 2012. PubMed ID: 22696272). At this time, the clinical significance of this variant is uncertain due to the absence of conclusive functional and genetic evidence.